The following is an entry in ClinVar:

NM_001966.4(EHHADH):c.1013A>G (p.Lys338Arg)

Gene: EHHADH (enoyl-CoA hydratase and 3-hydroxyacyl CoA dehydrogenase; minus strand). Cytogenetic location: 3q27.2.
Variant type: single nucleotide variant.
Coding change: c.1013A>G on transcript NM_001966.4 (MANE Select); coding-DNA position 1013, A replaced by G.
Protein change: p.Lys338Arg; replaces lysine 338 with arginine.
Molecular consequence: missense variant.
Genome position (GRCh38, 1-based): chr3:185,193,385, T>C on the plus strand (A>G on the coding strand, the complement: EHHADH is on the minus strand). VCF-style: chr3-185193385-T-C. GRCh37 (hg19) VCF-style: chr3-184911173-T-C.
Other names: c.725A>G, p.Lys242Arg (NM_001166415.2); c.1013A>G (NM_001966.3); short protein forms K338R, K242R.
Identifiers: ClinVar variation 598496 (VCV000598496.10), dbSNP rs141210101, ClinGen allele CA2739058.

ClinVar aggregate classification (germline): Uncertain significance. Review status: criteria provided, multiple submitters, no conflicts (2 of 4 stars). 3 submissions from 3 submitters: Uncertain significance (2). 1 of the submissions does not count toward it. Last evaluated 2025-02-07.

Conditions:
EHHADH-related disorder. Also called: EHHADH-related condition.

Allele frequency attached by ClinVar (database versions not stated): gnomAD exomes 0.00005 and 0.00002; ExAC 0.00010; ESP Exome Variant Server 0.00015; 1000 Genomes Project 30x 0.00016; 1000 Genomes Project 0.00020; gnomAD 0.00024 and 0.00026; TOPMed 0.00027.
gnomAD v4.1: 63 of 1,614,228 alleles (0.0039%); highest among the groups gnomAD compares: African/African-American, 0.071%; no homozygotes.

Submissions (3):

Ambry Genetics
Classification: Uncertain significance. Last evaluated: 2025-02-07. Review status: criteria provided, single submitter. Criteria: Ambry Variant Classification Scheme 2023. Collection method: clinical testing. Allele origin: germline.

Eurofins Ntd Llc (ga)
Classification: Uncertain significance. Last evaluated: 2018-08-24. Review status: criteria provided, single submitter. Criteria: EGL ClinVar v180209 classification definitions. Collection method: clinical testing. Allele origin: germline. Observed: 1 variant allele, 1 heterozygote.

PreventionGenetics, part of Exact Sciences
Classification: Likely benign for EHHADH-related condition. Last evaluated: 2023-09-05. Review status: no assertion criteria provided. Collection method: clinical testing. Allele origin: germline. Not counted in ClinVar's aggregate classification.
Comment: This variant is classified as likely benign based on ACMG/AMP sequence variant interpretation guidelines (Richards et al. 2015 PMID: 25741868, with internal and published modifications).